The following is an entry in ClinVar:

NM_000204.5(CFI):c.562G>A (p.Gly188Arg)

Gene: CFI (complement factor I; minus strand). Cytogenetic location: 4q25.
Variant type: single nucleotide variant.
Coding change: c.562G>A on transcript NM_000204.5 (MANE Select); coding-DNA position 562, G replaced by A.
Protein change: p.Gly188Arg; replaces glycine 188 with arginine.
Molecular consequence: missense variant. On other transcripts: 5 prime UTR variant (1), non-coding transcript variant (3).
Genome position (GRCh38, 1-based): chr4:109,761,613, C>T on the plus strand (G>A on the coding strand, the complement: CFI is on the minus strand). VCF-style: chr4-109761613-C-T. GRCh37 (hg19) VCF-style: chr4-110682769-C-T.
Other names: c.562G>A, p.Gly188Arg (NM_001318057.2, NM_001331035.2, NM_001375278.1 and 5 more transcripts); c.-48G>A (NM_001375284.1); short protein forms G188R.
Identifiers: ClinVar variation 3894539 (VCV003894539.1).

ClinVar aggregate classification (germline): Uncertain significance (1 of 4 stars; one submission).

Conditions:
Atypical hemolytic-uremic syndrome with I factor anomaly. Also called: HEMOLYTIC UREMIC SYNDROME, ATYPICAL, SUSCEPTIBILITY TO, 3; AHUS, SUSCEPTIBILITY TO, 3. Identifiers: Orphanet 2134, MedGen C2752039, MONDO:0013041, OMIM 612923.

Submission:

MVZ Medizinische Genetik Mainz
Classification: Uncertain significance for Atypical hemolytic-uremic syndrome with I factor anomaly. Last evaluated: 2025-04-03. Review status: criteria provided, single submitter. Criteria: UK Practice Guidelines For Variant Classification V4 01 2020. Collection method: clinical testing. Allele origin: germline. Inheritance: Autosomal dominant inheritance. Affected: yes. Observed: 1 variant allele.
Comment: ACMG Criteria: PM5,PM2_SUP